The following is an entry in ClinVar:

NM_001378454.1(ALMS1):c.2815G>C (p.Val939Leu)

Gene: ALMS1 (ALMS1 centrosome and basal body associated protein; plus strand). Cytogenetic location: 2p13.1.
Variant type: single nucleotide variant.
Coding change: c.2815G>C on transcript NM_001378454.1 (MANE Select); coding-DNA position 2815, G replaced by C.
Protein change: p.Val939Leu; replaces valine 939 with leucine.
Molecular consequence: missense variant.
Genome position (GRCh38, 1-based): chr2:73,449,342, G>C. VCF-style: chr2-73449342-G-C. GRCh37 (hg19) VCF-style: chr2-73676469-G-C.
Other names: c.2818G>C, p.Val940Leu (NM_015120.4); short protein forms V939L, V940L.
Identifiers: ClinVar variation 4072617 (VCV004072617.1).

ClinVar aggregate classification (germline): Uncertain significance (1 of 4 stars; one submission).

Submission:

GeneDx
Classification: Uncertain significance. Last evaluated: 2025-01-30. Review status: criteria provided, single submitter. Criteria: GeneDx Variant Classification Process June 2021. Collection method: clinical testing. Allele origin: germline. Affected: yes.
Comment: Not observed at significant frequency in large population cohorts (gnomAD); In silico analysis indicates that this missense variant does not alter protein structure/function; Has not been previously published as pathogenic or benign to our knowledge